The following is an entry in ClinVar:

NM_001083962.2(TCF4):c.1989C>G (p.Asp663Glu)

Gene: TCF4 (transcription factor 4; minus strand). Cytogenetic location: 18q21.2.
Variant type: single nucleotide variant.
Coding change: c.1989C>G on transcript NM_001083962.2 (MANE Select); coding-DNA position 1989, C replaced by G.
Protein change: p.Asp663Glu; replaces aspartic acid 663 with glutamic acid.
Molecular consequence: missense variant.
Genome position (GRCh38, 1-based): chr18:55,228,252, G>C on the plus strand (C>G on the coding strand, the complement: TCF4 is on the minus strand). VCF-style: chr18-55228252-G-C. GRCh37 (hg19) VCF-style: chr18-52895483-G-C.
Other names: c.2295C>G, p.Asp765Glu (NM_001243226.3); c.1917C>G, p.Asp639Glu (NM_001243227.2, NM_001348217.1, NM_001348218.2 and 1 more transcripts); c.2007C>G, p.Asp669Glu (NM_001243228.2); c.1968C>G, p.Asp656Glu (NM_001243230.2); c.1851C>G, p.Asp617Glu (NM_001243231.2); c.1776C>G, p.Asp592Glu (NM_001243232.1); c.1587C>G, p.Asp529Glu (NM_001243233.2, NM_001348212.2); c.1509C>G, p.Asp503Glu (NM_001243234.2, NM_001348216.2); and 14 more; short protein forms D499E, D503E, D529E, D588E, D635E, D662E, D663E, D447E.
Identifiers: ClinVar variation 4997111 (VCV004997111.1).

ClinVar aggregate classification (germline): Uncertain significance (1 of 4 stars; one submission).

Conditions:
TCF4-related disorder. Also called: TCF4-related condition.

Submission:

PreventionGenetics, part of Exact Sciences
Classification: Uncertain significance for TCF4-related condition. Last evaluated: 2025-08-03. Review status: criteria provided, single submitter. Criteria: ACMG Guidelines, 2015. Collection method: clinical testing. Allele origin: germline.
Comment: The TCF4 c.1989C>G variant is predicted to result in the amino acid substitution p.Asp663Glu. To our knowledge, this variant has not been reported in the literature or in a large population database (gnomAD), indicating this variant is rare. At this time, the clinical significance of this variant is uncertain due to the absence of conclusive functional and genetic evidence.